The following is an entry in ClinVar:

ClinVar aggregate classification (germline): Benign. Review status: criteria provided, multiple submitters, no conflicts (2 of 4 stars). 3 submissions from 3 submitters: Benign (2). 1 of the submissions does not count toward it. Last evaluated 2026-02-04.

Conditions:
ARHGEF18-related disorder. Also called: ARHGEF18-related condition.

Allele frequency attached by ClinVar (database versions not stated): gnomAD 0.31420 and 0.30769; TOPMed 0.32380; gnomAD exomes 0.36022 and 0.34186; 1000 Genomes Project 30x 0.34010; 1000 Genomes Project 0.34485; ExAC 0.37054.
gnomAD v4.1: 526,640 of 1,550,026 alleles (34%); highest among the groups gnomAD compares: Middle Eastern, 44%; 91,279 homozygotes.

Submissions (3):

Labcorp Genetics (formerly Invitae), Labcorp
Classification: Benign. Last evaluated: 2026-02-04. Review status: criteria provided, single submitter. Criteria: Invitae Variant Classification Sherloc (09022015). Collection method: clinical testing. Allele origin: germline.

Breakthrough Genomics
Classification: Benign. Review status: criteria provided, single submitter. Criteria: ACMG Guidelines, 2015. Collection method: not provided. Allele origin: germline. Inheritance: Autosomal recessive inheritance. Affected: yes.

PreventionGenetics, part of Exact Sciences
Classification: Benign for ARHGEF18-related condition. Last evaluated: 2019-10-17. Review status: no assertion criteria provided. Collection method: clinical testing. Allele origin: germline. Not counted in ClinVar's aggregate classification.
Comment: This variant is classified as benign based on ACMG/AMP sequence variant interpretation guidelines (Richards et al. 2015 PMID: 25741868, with internal and published modifications).

NM_001367823.1(ARHGEF18):c.968-248C>T

Gene: ARHGEF18 (Rho/Rac guanine nucleotide exchange factor 18; plus strand). Cytogenetic location: 19p13.2.
Variant type: single nucleotide variant.
Coding change: c.968-248C>T on transcript NM_001367823.1 (MANE Select); 248 bases into the intron before coding-DNA position 968, C replaced by T.
Molecular consequence: intron variant. On other transcripts: 5 prime UTR variant (1).
Genome position (GRCh38, 1-based): chr19:7,440,096, C>T. VCF-style: chr19-7440096-C-T. GRCh37 (hg19) VCF-style: chr19-7504982-C-T.
Other names: c.-7C>T (NM_001130955.2); c.-226-93C>T (NM_001367824.1); c.-71-248C>T (NM_015318.4); c.156C>T (NM_001130955.1).
Identifiers: ClinVar variation 1169444 (VCV001169444.12), dbSNP rs10422503, ClinGen allele CA9136268.